The following is an entry in ClinVar:

ClinVar aggregate classification (germline): Pathogenic (1 of 4 stars; one submission).

Conditions:
Pontocerebellar hypoplasia type 1A (PCH1A). Also called: PONTOCEREBELLAR HYPOPLASIA WITH ANTERIOR HORN CELL DISEASE; PONTOCEREBELLAR HYPOPLASIA WITH INFANTILE SPINAL MUSCULAR ATROPHY. Identifiers: Orphanet 2254, Orphanet 88616, MedGen C1843504, MONDO:0011866, OMIM 607596.

gnomAD v4.1: 1 of 1,613,642 alleles (0.000062%); highest among the groups gnomAD compares: Non-Finnish European, 0.000085%; no homozygotes.

Submission:

Labcorp Genetics (formerly Invitae), Labcorp
Classification: Pathogenic for Pontocerebellar hypoplasia type 1A. Last evaluated: 2022-02-21. Review status: criteria provided, single submitter. Criteria: Invitae Variant Classification Sherloc (09022015). Collection method: clinical testing. Allele origin: germline.
Comment: This sequence change creates a premature translational stop signal (p.Gln8*) in the VRK1 gene. It is expected to result in an absent or disrupted protein product. Loss-of-function variants in VRK1 are known to be pathogenic (PMID: 19646678, 24126608, 27281532). This variant is not present in population databases (gnomAD no frequency). This variant has not been reported in the literature in individuals affected with VRK1-related conditions. For these reasons, this variant has been classified as Pathogenic.

Literature cited by the submitters: PubMed 19646678; PubMed 24126608; PubMed 27281532.

NM_003384.3(VRK1):c.22C>T (p.Gln8Ter)

Gene: VRK1 (VRK serine/threonine kinase 1; plus strand). Cytogenetic location: 14q32.2.
Variant type: single nucleotide variant.
Coding change: c.22C>T on transcript NM_003384.3 (MANE Select); coding-DNA position 22, C replaced by T.
Protein change: p.Gln8Ter; replaces glutamine 8 with a stop codon.
Molecular consequence: nonsense.
Genome position (GRCh38, 1-based): chr14:96,833,493, C>T. VCF-style: chr14-96833493-C-T. GRCh37 (hg19) VCF-style: chr14-97299830-C-T.
Other names: c.22C>T, p.Gln8Ter (NM_001411051.1, NM_001411053.1); short protein forms Q8*.
Identifiers: ClinVar variation 2101376 (VCV002101376.4), dbSNP rs761254060, ClinGen allele CA390930726.